The following is an entry in ClinVar:

NM_004304.5(ALK):c.2810A>G (p.Tyr937Cys)

Gene: ALK (ALK receptor tyrosine kinase; minus strand). Cytogenetic location: 2p23.2.
Variant type: single nucleotide variant.
Coding change: c.2810A>G on transcript NM_004304.5 (MANE Select); coding-DNA position 2810, A replaced by G.
Protein change: p.Tyr937Cys; replaces tyrosine 937 with cysteine.
Molecular consequence: missense variant.
Genome position (GRCh38, 1-based): chr2:29,228,889, T>C on the plus strand (A>G on the coding strand, the complement: ALK is on the minus strand). VCF-style: chr2-29228889-T-C. GRCh37 (hg19) VCF-style: chr2-29451755-T-C.
Other names: short protein forms Y937C.
Identifiers: ClinVar variation 4869609 (VCV004869609.1).

ClinVar aggregate classification (germline): Uncertain significance (1 of 4 stars; one submission).

Conditions:
Hereditary cancer-predisposing syndrome. Also called: Neoplastic Syndromes, Hereditary; Tumor predisposition; Hereditary Cancer Syndrome; Hereditary neoplastic syndrome. Identifiers: Orphanet 140162, MedGen C0027672, MeSH D009386, MONDO:0015356.

Submission:

Ambry Genetics
Classification: Uncertain significance for Hereditary cancer-predisposing syndrome. Last evaluated: 2026-05-20. Review status: criteria provided, single submitter. Criteria: Ambry Variant Classification Scheme 2023. Collection method: clinical testing. Allele origin: germline.
Comment: The p.Y937C variant (also known as c.2810A>G), located in coding exon 16 of the ALK gene, results from an A to G substitution at nucleotide position 2810. The tyrosine at codon 937 is replaced by cysteine, an amino acid with highly dissimilar properties. This amino acid position is conserved. In addition, the in silico prediction for this alteration is inconclusive. Based on the available evidence, the clinical significance of this variant remains unclear.